The following is an entry in ClinVar:

NM_000238.4(KCNH2):c.3086_3099del (p.Ser1029fs)

Gene: KCNH2 (potassium voltage-gated channel subfamily H member 2; minus strand). Cytogenetic location: 7q36.1.
Variant type: Deletion.
Coding change: c.3086_3099del on transcript NM_000238.4 (MANE Select); coding-DNA positions 3086 to 3099, 14 bases deleted (GCCCGGGTCGGCGG).
Protein change: p.Ser1029fs; shifts the reading frame from serine 1029.
Molecular consequence: frameshift variant.
Genome position (GRCh38, 1-based): chr7:150,947,381-150,947,394, CCGCCGACCCGGGC deleted on the plus strand (GCCCGGGTCGGCGG on the coding strand, the reverse complement: KCNH2 is on the minus strand). VCF-style (leftmost placement, unchanged base first): chr7-150947380-GCCGCCGACCCGGGC-G. GRCh37 (hg19) VCF-style: chr7-150644468-GCCGCCGACCCGGGC-G.
Other names: c.2066_2079del, p.Ser689fs (NM_172057.3); short protein forms S1029fs, S689fs.
Identifiers: ClinVar variation 1070541 (VCV001070541.9), dbSNP rs2116928923, ClinGen allele CA2499218784.
Genomic context (GRCh38, chr7:150,947,380, plus strand): 5'-TCCCTCACCTGTTGAGCTGGCGCTGGAGGGCATCCAGCCTGCTCTCCACGTCGCCCCGGG[GCCGCCGACCCGGGC>G]TGGAGAGGGGGATGTTGAGGAGGCTGGGGGTGGGGGCGGGGCATCGAGGGAGCTCCTGGT-3'

ClinVar aggregate classification (germline): Pathogenic (1 of 4 stars; one submission).

Conditions:
Long QT syndrome (LQTS). Identifiers: MedGen C0023976, MeSH D008133, MONDO:0002442. Disease mechanism: loss of function. Inheritance: Various modes of inheritance.

Submission:

Labcorp Genetics (formerly Invitae), Labcorp
Classification: Pathogenic for Long QT syndrome. Last evaluated: 2022-10-13. Review status: criteria provided, single submitter. Criteria: Invitae Variant Classification Sherloc (09022015). Collection method: clinical testing. Allele origin: germline.
Comment: This variant is not present in population databases (gnomAD no frequency). This sequence change creates a premature translational stop signal (p.Ser1029Thrfs*85) in the KCNH2 gene. While this is not anticipated to result in nonsense mediated decay, it is expected to disrupt the last 131 amino acid(s) of the KCNH2 protein. ClinVar contains an entry for this variant (Variation ID: 1070541). This variant has not been reported in the literature in individuals affected with KCNH2-related conditions. For these reasons, this variant has been classified as Pathogenic. This variant disrupts a region of the KCNH2 protein in which other variant(s) (p.Glu1119*) have been determined to be pathogenic (PMID: 27920829). This suggests that this is a clinically significant region of the protein, and that variants that disrupt it are likely to be disease-causing. Algorithms developed to predict the effect of sequence changes on RNA splicing suggest that this variant may disrupt the consensus splice site.

Literature cited by the submitters: PubMed 27920829.